The following is an entry in ClinVar:

NM_001098668.4(SFTPA2):c.477C>T (p.Gly159=)

Gene: SFTPA2 (surfactant protein A2; minus strand). Cytogenetic location: 10q22.3.
Variant type: single nucleotide variant.
Coding change: c.477C>T on transcript NM_001098668.4 (MANE Select); coding-DNA position 477, C replaced by T.
Protein change: p.Gly159=; no amino-acid change (glycine 159 retained).
Molecular consequence: synonymous variant.
Genome position (GRCh38, 1-based): chr10:79,557,479, G>A on the plus strand (C>T on the coding strand, the complement: SFTPA2 is on the minus strand). VCF-style: chr10-79557479-G-A. GRCh37 (hg19) VCF-style: chr10-81317235-G-A.
Other names: c.477C>T, p.Gly159= (NM_001320813.2, NM_001437428.1); c.507C>T, p.Gly169= (NM_001320814.1).
Identifiers: ClinVar variation 4982382 (VCV004982382.1).

ClinVar aggregate classification (germline): Likely benign (1 of 4 stars; one submission).

Conditions:
SFTPA2-related disorder. Also called: SFTPA2-related condition.

gnomAD v4.1: 81 of 1,613,482 alleles (0.005%); highest among the groups gnomAD compares: Admixed American, 0.11%; no homozygotes.

Submission:

PreventionGenetics, part of Exact Sciences
Classification: Likely benign for SFTPA2-related condition. Last evaluated: 2026-02-14. Review status: criteria provided, single submitter. Criteria: ACMG Guidelines, 2015. Collection method: clinical testing. Allele origin: germline.
Comment: This variant is classified as likely benign based on ACMG/AMP sequence variant interpretation guidelines (Richards et al. 2015 PMID: 25741868, with internal and published modifications).